The following is an entry in ClinVar:

NM_032043.3(BRIP1):c.984_985insA (p.Gln329fs)

Gene: BRIP1 (BRCA1 interacting DNA helicase 1; minus strand). Cytogenetic location: 17q23.2.
Variant type: Insertion.
Coding change: c.984_985insA on transcript NM_032043.3 (MANE Select); coding-DNA positions 984 to 985, A inserted.
Protein change: p.Gln329fs; shifts the reading frame from glutamine 329.
Molecular consequence: frameshift variant.
Genome position: GRCh38 VCF-style: chr17-61801408-G-GT. GRCh37 (hg19) VCF-style: chr17-59878769-G-GT.
Other names: short protein forms Q329fs.
Identifiers: ClinVar variation 491482 (VCV000491482.6), dbSNP rs1555607759, ClinGen allele CA658684169.

ClinVar aggregate classification (germline): Pathogenic. Review status: criteria provided, multiple submitters, no conflicts (2 of 4 stars). 3 submissions from 3 submitters: Pathogenic (3). Last evaluated 2025-06-13.

Conditions:
Fanconi anemia complementation group J. Also called: BRIP1-Related Fanconi Anemia. Identifiers: Orphanet 84, MedGen C1836860, MONDO:0012187, OMIM 609054.
Familial cancer of breast. Also called: BREAST CANCER, FAMILIAL; hereditary breast carcinoma; Hereditary breast cancer. Identifiers: Orphanet 227535, MedGen C0346153, MONDO:0016419, OMIM 114480. Disease mechanism: loss of function.
Hereditary cancer-predisposing syndrome. Also called: Tumor predisposition; Neoplastic Syndromes, Hereditary; Hereditary Cancer Syndrome; Hereditary neoplastic syndrome. Identifiers: Orphanet 140162, MedGen C0027672, MeSH D009386, MONDO:0015356.

Allele frequency attached by ClinVar (database versions not stated): gnomAD exomes below 0.00001.

Submissions (3):

Ambry Genetics
Classification: Pathogenic for Hereditary cancer-predisposing syndrome. Last evaluated: 2025-06-13. Review status: criteria provided, single submitter. Criteria: Ambry Variant Classification Scheme 2023. Collection method: clinical testing. Allele origin: germline.
Comment: The c.984_985insA pathogenic mutation, located in coding exon 7 of the BRIP1 gene, results from an insertion of one nucleotide at position 984, causing a translational frameshift with a predicted alternate stop codon (p.Q329Tfs*35). This variant is considered to be rare based on population cohorts in the Genome Aggregation Database (gnomAD). This alteration is expected to result in loss of function by premature protein truncation or nonsense-mediated mRNA decay. As such, this alteration is interpreted as a disease-causing mutation.

Labcorp Genetics (formerly Invitae), Labcorp
Classification: Pathogenic for Familial cancer of breast; Fanconi anemia complementation group J. Last evaluated: 2024-09-12. Review status: criteria provided, single submitter. Criteria: Invitae Variant Classification Sherloc (09022015). Collection method: clinical testing. Allele origin: germline.
Comment: This sequence change creates a premature translational stop signal (p.Gln329Thrfs*35) in the BRIP1 gene. It is expected to result in an absent or disrupted protein product. Loss-of-function variants in BRIP1 are known to be pathogenic (PMID: 16116423, 17033622, 21964575). This variant is not present in population databases (gnomAD no frequency). This variant has not been reported in the literature in individuals affected with BRIP1-related conditions. ClinVar contains an entry for this variant (Variation ID: 491482). For these reasons, this variant has been classified as Pathogenic.

Color Diagnostics, LLC DBA Color Health
Classification: Pathogenic for Hereditary cancer-predisposing syndrome. Last evaluated: 2017-10-23. Review status: criteria provided, single submitter. Criteria: ACMG Guidelines, 2015. Collection method: clinical testing. Allele origin: germline.

Literature cited by the submitters: PubMed 16116423 (cited by Labcorp Genetics (formerly Invitae), Labcorp); PubMed 17033622 (cited by Labcorp Genetics (formerly Invitae), Labcorp); PubMed 21964575 (cited by Labcorp Genetics (formerly Invitae), Labcorp).